The following is an entry in ClinVar:

ClinVar aggregate classification (germline): Pathogenic (1 of 4 stars; one submission).

Conditions:
Joubert syndrome. Also called: CEREBELLOPARENCHYMAL DISORDER IV; JOUBERT-BOLTSHAUSER SYNDROME; Familial aplasia of the vermis. Identifiers: Orphanet 475, MedGen C5979921, MONDO:0018772.
Orofaciodigital syndrome I (OFD1). Also called: OFDS I; Papillon-Leage and Psaume Syndrome; Oral-Facial-Digital Syndrome Type I. Identifiers: Orphanet 2750, MedGen C1510460, MONDO:0010702, OMIM 311200.

Submission:

Labcorp Genetics (formerly Invitae), Labcorp
Classification: Pathogenic for Orofaciodigital syndrome I; Joubert syndrome. Last evaluated: 2024-07-27. Review status: criteria provided, single submitter. Criteria: Invitae Variant Classification Sherloc (09022015). Collection method: clinical testing. Allele origin: germline.
Comment: This sequence change creates a premature translational stop signal (p.Gln548Hisfs*8) in the OFD1 gene. It is expected to result in an absent or disrupted protein product. Loss-of-function variants in OFD1 are known to be pathogenic (PMID: 16783569, 18546297, 27081566). This variant is not present in population databases (gnomAD no frequency). This variant has not been reported in the literature in individuals affected with OFD1-related conditions. For these reasons, this variant has been classified as Pathogenic.

Literature cited by the submitters: PubMed 16783569; PubMed 18546297; PubMed 27081566.

NM_003611.3(OFD1):c.1644_1645del (p.Gln548fs)

Gene: OFD1 (OFD1 centriole and centriolar satellite protein; plus strand). Cytogenetic location: Xp22.2.
Variant type: Deletion.
Coding change: c.1644_1645del on transcript NM_003611.3 (MANE Select); coding-DNA positions 1644 to 1645, 2 bases deleted (AA; older notation c.1644_1645delAA).
Protein change: p.Gln548fs; shifts the reading frame from glutamine 548.
Molecular consequence: frameshift variant.
Genome position (GRCh38, 1-based): chrX:13,758,438-13,758,439, AA deleted; deleting any 2 consecutive bases within chrX:13,758,437-13,758,439 gives the same sequence; the c. name uses the placement nearest the transcript's 3' end. VCF-style (leftmost placement, unchanged base first): chrX-13758436-CAA-C. GRCh37 (hg19) VCF-style: chrX-13776555-CAA-C.
Other names: c.1524_1525del, p.Gln508fs (NM_001330209.2); c.1224_1225del, p.Gln408fs (NM_001330210.2); short protein forms Q408fs, Q508fs, Q548fs.
Identifiers: ClinVar variation 3755590 (VCV003755590.2).